The following is an entry in ClinVar:

ClinVar aggregate classification (germline): Uncertain significance (1 of 4 stars; one submission).

Conditions:
Neuropathy, hereditary sensory, type 1F. Also called: Hereditary sensory neuropathy type IF; HSN IF. Identifiers: Orphanet 36386, MedGen C3810194, MONDO:0014286, OMIM 615632.

Submission:

Labcorp Genetics (formerly Invitae), Labcorp
Classification: Uncertain significance for Neuropathy, hereditary sensory, type 1F. Last evaluated: 2022-03-12. Review status: criteria provided, single submitter. Criteria: Invitae Variant Classification Sherloc (09022015). Collection method: clinical testing. Allele origin: germline.
Comment: In summary, the available evidence is currently insufficient to determine the role of this variant in disease. Therefore, it has been classified as a Variant of Uncertain Significance. Algorithms developed to predict the effect of missense changes on protein structure and function (SIFT, PolyPhen-2, Align-GVGD) all suggest that this variant is likely to be disruptive. This variant has not been reported in the literature in individuals affected with ATL3-related conditions. This variant is not present in population databases (gnomAD no frequency). This sequence change replaces serine, which is neutral and polar, with asparagine, which is neutral and polar, at codon 216 of the ATL3 protein (p.Ser216Asn).

NM_015459.5(ATL3):c.647G>A (p.Ser216Asn)

Genes: LNCROPM (lncRNA regulator of PLAAT3 mediated phospholipid metabolism; plus strand), ATL3 (atlastin GTPase 3; minus strand). Cytogenetic location: 11q13.1.
Variant type: single nucleotide variant.
Coding change: c.647G>A on transcript NM_015459.5 (MANE Select); coding-DNA position 647, G replaced by A.
Protein change: p.Ser216Asn; replaces serine 216 with asparagine.
Molecular consequence: missense variant.
Genome position (GRCh38, 1-based): chr11:63,644,233, C>T on the plus strand (G>A on the coding strand, the complement: ATL3 is on the minus strand). VCF-style: chr11-63644233-C-T. GRCh37 (hg19) VCF-style: chr11-63411705-C-T.
Other names: c.593G>A, p.Ser198Asn (NM_001290048.2); short protein forms S198N, S216N.
Identifiers: ClinVar variation 2104030 (VCV002104030.4), dbSNP rs2495657930, ClinGen allele CA381024650.